The following is an entry in ClinVar:

NM_001080467.3(MYO5B):c.1875C>A (p.Asn625Lys)

Gene: MYO5B (myosin VB; minus strand). Cytogenetic location: 18q21.1.
Variant type: single nucleotide variant.
Coding change: c.1875C>A on transcript NM_001080467.3 (MANE Select); coding-DNA position 1875, C replaced by A.
Protein change: p.Asn625Lys; replaces asparagine 625 with lysine.
Molecular consequence: missense variant.
Genome position (GRCh38, 1-based): chr18:49,937,275, G>T on the plus strand (C>A on the coding strand, the complement: MYO5B is on the minus strand). VCF-style: chr18-49937275-G-T. GRCh37 (hg19) VCF-style: chr18-47463645-G-T.
Other names: short protein forms N625K.
Identifiers: ClinVar variation 1911023 (VCV001911023.5), dbSNP rs370058052, ClinGen allele CA8961342.

ClinVar aggregate classification (germline): Uncertain significance (1 of 4 stars; one submission).

Submission:

Labcorp Genetics (formerly Invitae), Labcorp
Classification: Uncertain significance. Last evaluated: 2022-04-24. Review status: criteria provided, single submitter. Criteria: Invitae Variant Classification Sherloc (09022015). Collection method: clinical testing. Allele origin: germline.
Comment: This variant has not been reported in the literature in individuals affected with MYO5B-related conditions. In summary, the available evidence is currently insufficient to determine the role of this variant in disease. Therefore, it has been classified as a Variant of Uncertain Significance. Algorithms developed to predict the effect of missense changes on protein structure and function are either unavailable or do not agree on the potential impact of this missense change (SIFT: "Deleterious"; PolyPhen-2: "Possibly Damaging"; Align-GVGD: "Class C0"). This variant is present in population databases (rs370058052, gnomAD 0.002%). This sequence change replaces asparagine, which is neutral and polar, with lysine, which is basic and polar, at codon 625 of the MYO5B protein (p.Asn625Lys).